The following is an entry in ClinVar:

NM_003011.4(SET):c.664-5_664-4del

Gene: SET (SET nuclear proto-oncogene; plus strand). Cytogenetic location: 9q34.11.
Variant type: Deletion.
Coding change: c.664-5_664-4del on transcript NM_003011.4 (MANE Select); 5 bases into the intron before coding-DNA position 664 through 4 bases into the intron before coding-DNA position 664, 2 bases deleted (TT; older notation c.664-5_664-4delTT).
Molecular consequence: intron variant.
Genome position (GRCh38, 1-based): chr9:128,693,891-128,693,892, TT deleted; deleting any 2 consecutive bases within chr9:128,693,881-128,693,892 gives the same sequence; the c. name uses the placement nearest the transcript's 3' end. VCF-style (leftmost placement, unchanged base first): chr9-128693880-CTT-C. GRCh37 (hg19) VCF-style: chr9-131456159-CTT-C.
Other names: NC_000009.11:g.131456170_131456171del; c.703-5_703-4del (NM_001374326.1, NM_001122821.2); c.637-5_637-4del (NM_001248000.2); c.631-5_631-4del (NM_001248001.2).
Identifiers: ClinVar variation 3045766 (VCV003045766.3), dbSNP rs140324291, ClinGen allele CA5267065.
Genomic context (GRCh38, chr9:128,693,880, plus strand): 5'-TACTCATTTATTCAAGGTTGGACTTGTCTCGGTTGTTTAAAAATGAGTCCTTATATTGTG[CTT>C]TTTTTTTTTTAAGGTTCCCGATATGGATGATGAAGAAGGAGAAGGAGAAGAAGATGATGA-3'

ClinVar aggregate classification (germline): Likely benign (0 of 4 stars; one submission).

Conditions:
SET-related disorder. Also called: SET-related condition.

Submissions (2):

PreventionGenetics, part of Exact Sciences
Classification: Likely benign for SET-related condition. Last evaluated: 2019-11-05. Review status: no assertion criteria provided. Collection method: clinical testing. Allele origin: germline.
Comment: This variant is classified as likely benign based on ACMG/AMP sequence variant interpretation guidelines (Richards et al. 2015 PMID: 25741868, with internal and published modifications).

Dr. Peter K. Rogan Lab, Western University
No classification provided (evidence only). Condition: Gastric cancer. Review status: no classification provided. Collection method: in vitro. Allele origin: not applicable. Functional consequence: retained intron. Not counted in ClinVar's aggregate classification.